The following is an entry in ClinVar:

ClinVar aggregate classification (germline): Likely benign (0 of 4 stars; one submission).

Conditions:
HEY1-related disorder. Also called: HEY1-related condition.

Allele frequency attached by ClinVar (database versions not stated): gnomAD exomes 0.00001; ExAC 0.00004; 1000 Genomes Project 0.00020; gnomAD 0.00036; 1000 Genomes Project 30x 0.00047; TOPMed 0.00081.
gnomAD v4.1: 84 of 1,609,402 alleles (0.0052%); highest among the groups gnomAD compares: Admixed American, 0.11%; 1 homozygote.

Submission:

PreventionGenetics, part of Exact Sciences
Classification: Likely benign for HEY1-related condition. Last evaluated: 2023-06-05. Review status: no assertion criteria provided. Collection method: clinical testing. Allele origin: germline.
Comment: This variant is classified as likely benign based on ACMG/AMP sequence variant interpretation guidelines (Richards et al. 2015 PMID: 25741868, with internal and published modifications).

NM_012258.4(HEY1):c.30C>T (p.Ser10=)

Gene: HEY1 (hes related family bHLH transcription factor with YRPW motif 1; minus strand). Cytogenetic location: 8q21.13.
Variant type: single nucleotide variant.
Coding change: c.30C>T on transcript NM_012258.4 (MANE Select); coding-DNA position 30, C replaced by T.
Protein change: p.Ser10=; no amino-acid change (serine 10 retained).
Molecular consequence: synonymous variant.
Genome position (GRCh38, 1-based): chr8:79,767,634, G>A on the plus strand (C>T on the coding strand, the complement: HEY1 is on the minus strand). VCF-style: chr8-79767634-G-A. GRCh37 (hg19) VCF-style: chr8-80679869-G-A.
Other names: c.30C>T, p.Ser10= (NM_001040708.2).
Identifiers: ClinVar variation 3034725 (VCV003034725.2), dbSNP rs561275638, ClinGen allele CA4789862.